The following is an entry in ClinVar:

NM_001134363.3(RBM20):c.908G>C (p.Gly303Ala)

Gene: RBM20 (RNA binding motif protein 20; plus strand). Cytogenetic location: 10q25.2.
Variant type: single nucleotide variant.
Coding change: c.908G>C on transcript NM_001134363.3 (MANE Select); coding-DNA position 908, G replaced by C.
Protein change: p.Gly303Ala; replaces glycine 303 with alanine.
Molecular consequence: missense variant.
Genome position (GRCh38, 1-based): chr10:110,781,517, G>C. VCF-style: chr10-110781517-G-C. GRCh37 (hg19) VCF-style: chr10-112541275-G-C.
Other names: short protein forms G303A.
Identifiers: ClinVar variation 4151604 (VCV004151604.2).

ClinVar aggregate classification (germline): Uncertain significance (1 of 4 stars; one submission).

Conditions:
Cardiovascular phenotype. Identifiers: MedGen CN230736.

gnomAD v4.1: 14 of 1,551,532 alleles (0.0009%); highest among the groups gnomAD compares: South Asian, 0.014%; no homozygotes.

Submission:

Ambry Genetics
Classification: Uncertain significance for Cardiovascular phenotype. Last evaluated: 2026-09-11. Review status: criteria provided, single submitter. Criteria: Ambry Variant Classification Scheme 2023. Collection method: clinical testing. Allele origin: germline.
Comment: The p.G303A variant (also known as c.908G>C), located in coding exon 2 of the RBM20 gene, results from a G to C substitution at nucleotide position 908. The glycine at codon 303 is replaced by alanine, an amino acid with similar properties. This amino acid position is conserved. In addition, this alteration is predicted to be tolerated by in silico analysis. Based on the available evidence, the clinical significance of this variant remains unclear.